The following is an entry in ClinVar:

ClinVar aggregate classification (germline): Uncertain significance. Review status: criteria provided, multiple submitters, no conflicts (2 of 4 stars). 2 submissions from 2 submitters: Uncertain significance (2). Last evaluated 2026-04-11.

Conditions:
Hereditary cancer-predisposing syndrome. Also called: Tumor predisposition; Neoplastic Syndromes, Hereditary; Hereditary Cancer Syndrome; Hereditary neoplastic syndrome. Identifiers: Orphanet 140162, MedGen C0027672, MeSH D009386, MONDO:0015356.
Multiple endocrine neoplasia, type 2 (MEN2). Identifiers: Orphanet 653, MedGen C4048306, MONDO:0019003. Disease mechanism: gain of function.

Submissions (2):

Ambry Genetics
Classification: Uncertain significance for Hereditary cancer-predisposing syndrome. Last evaluated: 2026-04-11. Review status: criteria provided, single submitter. Criteria: Ambry Variant Classification Scheme 2023. Collection method: clinical testing. Allele origin: germline.
Comment: The p.L1052P variant (also known as c.3155T>C), located in coding exon 19 of the RET gene, results from a T to C substitution at nucleotide position 3155. The leucine at codon 1052 is replaced by proline, an amino acid with similar properties. This amino acid position is conserved. In addition, this alteration is predicted to be deleterious by in silico analysis. Based on the available evidence, the clinical significance of this variant remains unclear.

Labcorp Genetics (formerly Invitae), Labcorp
Classification: Uncertain significance for Multiple endocrine neoplasia, type 2. Last evaluated: 2025-06-01. Review status: criteria provided, single submitter. Criteria: Invitae Variant Classification Sherloc (09022015). Collection method: clinical testing. Allele origin: germline.
Comment: This sequence change replaces leucine, which is neutral and non-polar, with proline, which is neutral and non-polar, at codon 1052 of the RET protein (p.Leu1052Pro). This variant is not present in population databases (gnomAD no frequency). This variant has not been reported in the literature in individuals affected with RET-related conditions. ClinVar contains an entry for this variant (Variation ID: 1485228). An algorithm developed to predict the effect of missense changes on protein structure and function (PolyPhen-2) suggests that this variant is likely to be disruptive. In summary, the available evidence is currently insufficient to determine the role of this variant in disease. Therefore, it has been classified as a Variant of Uncertain Significance.

NM_020975.6(RET):c.3155T>C (p.Leu1052Pro)

Gene: RET (ret proto-oncogene; plus strand). Cytogenetic location: 10q11.21.
Variant type: single nucleotide variant.
Coding change: c.3155T>C on transcript NM_020975.6 (MANE Select); coding-DNA position 3155, T replaced by C.
Protein change: p.Leu1052Pro; replaces leucine 1052 with proline.
Molecular consequence: missense variant.
Genome position (GRCh38, 1-based): chr10:43,126,690, T>C. VCF-style: chr10-43126690-T-C. GRCh37 (hg19) VCF-style: chr10-43622138-T-C.
Other names: c.2258T>C, p.Leu753Pro (NM_001406781.1, NM_001406782.1, NM_001406779.1 and 1 more transcripts); c.2129T>C, p.Leu710Pro (NM_001406783.1, NM_001406786.1); c.2165T>C, p.Leu722Pro (NM_001406784.1); c.2138T>C, p.Leu713Pro (NM_001406785.1); c.2123T>C, p.Leu708Pro (NM_001406787.1); c.1970T>C, p.Leu657Pro (NM_001406788.1, NM_001406789.1, NM_001406790.1); c.3155T>C, p.Leu1052Pro (NM_000323.2, NM_001406743.1, NM_001406744.1 and 2 more transcripts); c.2393T>C, p.Leu798Pro (NM_001355216.2); and 10 more; short protein forms L798P, L1052P, L1007P, L1009P, L722P, L920P, L617P, L810P.
Identifiers: ClinVar variation 1485228 (VCV001485228.10), dbSNP rs2133036884, ClinGen allele CA376558502.
Genomic context (GRCh38, chr10:43,126,690, plus strand): 5'-GCCTCTCAGAGGAGGAGACACCGCTGGTGGACTGTAATAATGCCCCCCTCCCTCGAGCCC[T>C]CCCTTCCACATGGATTGAAAACAAACTCTATGGTAGAATTTCCCATGCATTTACTAGATT-3'
Protein context (NP_066124.1, residues 1042-1062): DCNNAPLPRA[Leu1052Pro]PSTWIENKLY